The following is an entry in ClinVar:

NM_001110556.2(FLNA):c.4354A>G (p.Lys1452Glu)

Gene: FLNA (filamin A; minus strand). Cytogenetic location: Xq28.
Variant type: single nucleotide variant.
Coding change: c.4354A>G on transcript NM_001110556.2 (MANE Select); coding-DNA position 4354, A replaced by G.
Protein change: p.Lys1452Glu; replaces lysine 1452 with glutamic acid.
Molecular consequence: missense variant.
Genome position (GRCh38, 1-based): chrX:154,359,104, T>C on the plus strand (A>G on the coding strand, the complement: FLNA is on the minus strand). VCF-style: chrX-154359104-T-C. GRCh37 (hg19) VCF-style: chrX-153587472-T-C.
Other names: c.4354A>G, p.Lys1452Glu (NM_001456.4); short protein forms K1452E.
Identifiers: ClinVar variation 2948565 (VCV002948565.3), dbSNP rs2522737447, ClinGen allele CA415217052.

ClinVar aggregate classification (germline): Uncertain significance (1 of 4 stars; one submission).

Conditions:
Oto-palato-digital syndrome, type II (OPD2). Also called: FACIOPALATOOSSEOUS SYNDROME; OPD II SYNDROME; Otopalatodigital Syndrome, Type II; Otopalatodigital Syndrome Type 2 (FLNA-OPD2). Identifiers: Orphanet 669, Orphanet 90652, MedGen C1844696, MONDO:0010571, OMIM 304120.
Heterotopia, periventricular, X-linked dominant (PVNH1). Also called: PERIVENTRICULAR NODULAR HETEROTOPIA 1; X-linked periventricular heterotopia; PERIVENTRICULAR NODULAR HETEROTOPIA 4; HETEROTOPIA, PERIVENTRICULAR, 1. Identifiers: Orphanet 2149, Orphanet 82004, MedGen C1848213, MONDO:0010233, OMIM 300049.
Frontometaphyseal dysplasia (FMD1). Identifiers: Orphanet 1826, MedGen C0265293, MONDO:0015942.
Melnick-Needles syndrome (MNS). Also called: MELNICK-NEEDLES OSTEODYSPLASTY; OSTEODYSPLASTY OF MELNICK AND NEEDLES; Melnick-Needles Syndrome (FLNA-MNS). Identifiers: Orphanet 2484, MedGen C0025237, MONDO:0010650, OMIM 309350.

Submission:

Labcorp Genetics (formerly Invitae), Labcorp
Classification: Uncertain significance for Oto-palato-digital syndrome, type II; Heterotopia, periventricular, X-linked dominant; Frontometaphyseal dysplasia; Melnick-Needles syndrome. Last evaluated: 2023-06-05. Review status: criteria provided, single submitter. Criteria: Invitae Variant Classification Sherloc (09022015). Collection method: clinical testing. Allele origin: germline.
Comment: This variant is not present in population databases (gnomAD no frequency). This variant has not been reported in the literature in individuals affected with FLNA-related conditions. Advanced modeling of protein sequence and biophysical properties (such as structural, functional, and spatial information, amino acid conservation, physicochemical variation, residue mobility, and thermodynamic stability) performed at Invitae indicates that this missense variant is not expected to disrupt FLNA protein function. In summary, the available evidence is currently insufficient to determine the role of this variant in disease. Therefore, it has been classified as a Variant of Uncertain Significance. This sequence change replaces lysine, which is basic and polar, with glutamic acid, which is acidic and polar, at codon 1452 of the FLNA protein (p.Lys1452Glu).